The following is an entry in ClinVar:

ClinVar aggregate classification (germline): Pathogenic/Likely pathogenic. Review status: criteria provided, multiple submitters, no conflicts (2 of 4 stars). 2 submissions from 2 submitters: Pathogenic (1); Likely pathogenic (1). Last evaluated 2019-05-21.

Conditions:
PAX6-related disorder. Also called: PAX6-related disorders; PAX6-related condition.

Submissions (2):

Blueprint Genetics
Classification: Likely pathogenic for PAX6-related disorders. Last evaluated: 2019-05-21. Review status: criteria provided, single submitter. Criteria: ACMG Guidelines, 2015. Collection method: clinical testing. Allele origin: germline. Affected: yes. Observed: 1 variant allele.

GeneDx
Classification: Pathogenic. Last evaluated: 2019-05-21. Review status: criteria provided, single submitter. Criteria: GeneDx Variant Classification Process June 2021. Collection method: clinical testing. Allele origin: germline. Affected: yes.
Comment: Frameshift variant predicted to result in nonsense mediated decay in a gene for which loss-of-function is a known mechanism of disease; Not observed in large population cohorts (Lek et al., 2016); Has not been previously published as pathogenic or benign to our knowledge

NM_001368894.2(PAX6):c.961del (p.Ser321fs)

Gene: PAX6 (paired box 6; minus strand). Cytogenetic location: 11p13.
Variant type: Deletion.
Coding change: c.961del on transcript NM_001368894.2 (MANE Select); coding-DNA position 961, one base deleted (T; older notation c.961delT).
Protein change: p.Ser321fs; shifts the reading frame from serine 321.
Molecular consequence: frameshift variant. On other transcripts: non-coding transcript variant (2).
Genome position (GRCh38, 1-based): chr11:31,793,551, A deleted on the plus strand (T on the coding strand, the reverse complement: PAX6 is on the minus strand); the first of 3 consecutive A bases (chr11:31,793,551-31,793,553); deleting any one gives the same sequence. VCF-style (leftmost placement, unchanged base first): chr11-31793550-GA-G. GRCh37 (hg19) VCF-style: chr11-31815098-GA-G.
Other names: c.919del, p.Ser307fs (NM_000280.6, NM_001127612.3, NM_001258464.2 and 10 more transcripts); c.961del, p.Ser321fs (NM_001258462.3, NM_001258463.2, NM_001310158.2 and 6 more transcripts); c.511del, p.Ser171fs (NM_001310160.2, NM_001310161.3, NM_001368899.2 and 11 more transcripts); c.1162del, p.Ser388fs (NM_001368910.2); c.964del, p.Ser322fs (NM_001368911.2); c.1036del, p.Ser346fs (NM_001368918.2, NM_001368919.2); c.994del, p.Ser332fs (NM_001368920.2); c.760del, p.Ser254fs (NM_001368921.2, NM_001368922.2, NM_001368923.2 and 4 more transcripts); and 2 more; short protein forms S106fs, S171fs, S240fs, S254fs, S307fs, S321fs, S322fs, S332fs.
Identifiers: ClinVar variation 1187268 (VCV001187268.4), dbSNP rs2134582202, ClinGen allele CA2499220924.